The following is an entry in ClinVar:

ClinVar aggregate classification (germline): Benign/Likely benign. Review status: criteria provided, multiple submitters, no conflicts (2 of 4 stars). 6 submissions from 6 submitters: Benign (1); Likely benign (5). Last evaluated 2026-01-30.

Conditions:
FBN2-related disorder. Also called: FBN2-related condition.
Familial thoracic aortic aneurysm and aortic dissection (TAAD). Also called: Thoracic aortic aneurysms and dissections. Identifiers: Orphanet 91387, MedGen C4707243, MONDO:0019625.
Congenital contractural arachnodactyly (CCA). Also called: BEALS SYNDROME; Arthrogryposis, distal, type 9; Beals-Hecht syndrome. Identifiers: Orphanet 115, MedGen C0220668, MONDO:0007363, OMIM 121050.

Allele frequency attached by ClinVar (database versions not stated): gnomAD exomes 0.00002 and 0.00003; gnomAD 0.00003; TOPMed 0.00004; ExAC 0.00005; 1000 Genomes Project 0.00020; 1000 Genomes Project 30x 0.00031.
gnomAD v4.1: 32 of 1,614,148 alleles (0.002%); highest among the groups gnomAD compares: African/African-American, 0.011%; no homozygotes.

Submissions (6):

PreventionGenetics, part of Exact Sciences
Classification: Likely benign for FBN2-related condition. Last evaluated: 2026-01-30. Review status: criteria provided, single submitter. Criteria: ACMG Guidelines, 2015. Collection method: clinical testing. Allele origin: germline.
Comment: This variant is classified as likely benign based on ACMG/AMP sequence variant interpretation guidelines (Richards et al. 2015 PMID: 25741868, with internal and published modifications).

Labcorp Genetics (formerly Invitae), Labcorp
Classification: Benign for Congenital contractural arachnodactyly. Last evaluated: 2026-01-05. Review status: criteria provided, single submitter. Criteria: Invitae Variant Classification Sherloc (09022015). Collection method: clinical testing. Allele origin: germline.

CeGaT Center for Human Genetics Tuebingen
Classification: Likely benign. Last evaluated: 2024-09-01. Review status: criteria provided, single submitter. Criteria: CeGaT Center For Human Genetics Tuebingen Variant Classification Criteria Version 2. Collection method: clinical testing. Allele origin: germline. Affected: yes. Observed: 1 variant allele.
Comment: FBN2: BP4, BP7

Ambry Genetics
Classification: Likely benign for Familial thoracic aortic aneurysm and aortic dissection. Last evaluated: 2022-07-14. Review status: criteria provided, single submitter. Criteria: Ambry Variant Classification Scheme 2023. Collection method: clinical testing. Allele origin: germline.

GeneDx
Classification: Likely benign. Last evaluated: 2021-03-24. Review status: criteria provided, single submitter. Criteria: GeneDx Variant Classification Process June 2021. Collection method: clinical testing. Allele origin: germline. Affected: yes.

Illumina Laboratory Services, Illumina
Classification: Likely benign for Congenital contractural arachnodactyly. Last evaluated: 2018-01-13. Review status: criteria provided, single submitter. Criteria: ICSL Variant Classification Criteria 13 December 2019. Collection method: clinical testing. Allele origin: germline.
Comment: This variant was observed in the ICSL laboratory as part of a predisposition screen in an ostensibly healthy population. It had not been previously curated by ICSL or reported in the Human Gene Mutation Database (HGMD: prior to June 1st, 2018), and was therefore a candidate for classification through an automated scoring system. Utilizing variant allele frequency, disease prevalence and penetrance estimates, and inheritance mode, an automated score was calculated to assess if this variant is too frequent to cause the disease. Based on the score and internal cut-off values, a variant classified as likely benign is not then subjected to further curation. The score for this variant resulted in a classification of likely benign for this disease.

NM_001999.4(FBN2):c.3093G>A (p.Ala1031=)

Genes: FBN2 (fibrillin 2; minus strand), LOC126807501 (BRD4-independent group 4 enhancer GRCh37_chr5:127680731-127681930; plus strand). Cytogenetic location: 5q23.3.
Variant type: single nucleotide variant.
Coding change: c.3093G>A on transcript NM_001999.4 (MANE Select); coding-DNA position 3093, G replaced by A.
Protein change: p.Ala1031=; no amino-acid change (alanine 1031 retained).
Molecular consequence: synonymous variant.
Genome position (GRCh38, 1-based): chr5:128,345,481, C>T on the plus strand (G>A on the coding strand, the complement: FBN2 is on the minus strand). VCF-style: chr5-128345481-C-T. GRCh37 (hg19) VCF-style: chr5-127681173-C-T.
Identifiers: ClinVar variation 905604 (VCV000905604.27), dbSNP rs528529593, ClinGen allele CA3395329.